The following is an entry in ClinVar:

ClinVar aggregate classification (germline): Uncertain significance. Review status: criteria provided, multiple submitters, no conflicts (2 of 4 stars). 3 submissions from 3 submitters: Uncertain significance (2). 1 of the submissions does not count toward it. Last evaluated 2025-03-18.

Conditions:
Inborn genetic diseases. Identifiers: MedGen C0950123, MeSH D030342.
Microcephalic osteodysplastic primordial dwarfism type II (MOPD2). Also called: Microcephalic osteodysplastic primordial dwarfism with tooth abnormalities; MOPD II; OSTEODYSPLASTIC PRIMORDIAL DWARFISM, TYPE II. Identifiers: Orphanet 2637, MedGen C0432246, MONDO:0008872, OMIM 210720.
PCNT-related disorder. Also called: PCNT-related condition.

Allele frequency attached by ClinVar (database versions not stated): gnomAD exomes 0.00001 and 0.00004; gnomAD 0.00003 and 0.00004; TOPMed 0.00005.
gnomAD v4.1: 20 of 1,553,348 alleles (0.0013%); highest among the groups gnomAD compares: African/African-American, 0.011%; no homozygotes.

Submissions (3):

Ambry Genetics
Classification: Uncertain significance for Inborn genetic diseases. Last evaluated: 2025-03-18. Review status: criteria provided, single submitter. Criteria: Ambry Variant Classification Scheme 2023. Collection method: clinical testing. Allele origin: germline.

Illumina Laboratory Services, Illumina
Classification: Uncertain significance for Microcephalic osteodysplastic primordial dwarfism type II. Last evaluated: 2018-01-19. Review status: criteria provided, single submitter. Criteria: ICSL Variant Classification Criteria 13 December 2019. Collection method: clinical testing. Allele origin: germline.

PreventionGenetics, part of Exact Sciences
Classification: Uncertain significance for PCNT-related condition. Last evaluated: 2024-01-18. Review status: no assertion criteria provided. Collection method: clinical testing. Allele origin: germline. Not counted in ClinVar's aggregate classification.
Comment: The PCNT c.7939G>A variant is predicted to result in the amino acid substitution p.Glu2647Lys. To our knowledge, this variant has not been reported in the literature. This variant is reported in 0.022% of alleles in individuals of African descent in gnomAD. At this time, the clinical significance of this variant is uncertain due to the absence of conclusive functional and genetic evidence.

NM_006031.6(PCNT):c.7939G>A (p.Glu2647Lys)

Gene: PCNT (pericentrin; plus strand). Cytogenetic location: 21q22.3.
Variant type: single nucleotide variant.
Coding change: c.7939G>A on transcript NM_006031.6 (MANE Select); coding-DNA position 7939, G replaced by A.
Protein change: p.Glu2647Lys; replaces glutamic acid 2647 with lysine.
Molecular consequence: missense variant.
Genome position (GRCh38, 1-based): chr21:46,430,532, G>A. VCF-style: chr21-46430532-G-A. GRCh37 (hg19) VCF-style: chr21-47850446-G-A.
Other names: c.7585G>A, p.Glu2529Lys (NM_001315529.2); short protein forms E2529K, E2647K.
Identifiers: ClinVar variation 896178 (VCV000896178.10), dbSNP rs886267351, ClinGen allele CA322015439.